The following is an entry in ClinVar:

NM_001009944.3(PKD1):c.12502G>A (p.Gly4168Ser)

Gene: PKD1 (polycystin 1, transient receptor potential channel interacting; minus strand). Cytogenetic location: 16p13.3.
Variant type: single nucleotide variant.
Coding change: c.12502G>A on transcript NM_001009944.3 (MANE Select); coding-DNA position 12502, G replaced by A.
Protein change: p.Gly4168Ser; replaces glycine 4168 with serine.
Molecular consequence: missense variant.
Genome position (GRCh38, 1-based): chr16:2,090,137, C>T on the plus strand (G>A on the coding strand, the complement: PKD1 is on the minus strand). VCF-style: chr16-2090137-C-T. GRCh37 (hg19) VCF-style: chr16-2140138-C-T.
Other names: c.12499G>A, p.Gly4167Ser (NM_000296.4); short protein forms G4167S, G4168S.
Identifiers: ClinVar variation 5040643 (VCV005040643.1).

ClinVar aggregate classification (germline): Uncertain significance (1 of 4 stars; one submission).

gnomAD v4.1: 3 of 1,596,418 alleles (0.00019%); highest among the groups gnomAD compares: African/African-American, 0.0013%; no homozygotes.

Submission:

CeGaT Center for Human Genetics Tuebingen
Classification: Uncertain significance. Last evaluated: 2026-08-01. Review status: criteria provided, single submitter. Criteria: CeGaT Center For Human Genetics Tuebingen Variant Classification Criteria Version 2. Collection method: clinical testing. Allele origin: germline. Affected: yes. Observed: 1 variant allele.
Comment: PKD1: PM2, BP4